The following is an entry in ClinVar:

NM_000540.3(RYR1):c.8816+5G>A

Gene: RYR1 (ryanodine receptor 1; plus strand). Cytogenetic location: 19q13.2.
Variant type: single nucleotide variant.
Coding change: c.8816+5G>A on transcript NM_000540.3 (MANE Select); 5 bases into the intron after coding-DNA position 8816, G replaced by A.
Molecular consequence: intron variant.
Genome position (GRCh38, 1-based): chr19:38,506,957, G>A. VCF-style: chr19-38506957-G-A. GRCh37 (hg19) VCF-style: chr19-38997597-G-A.
Other names: c.8816+5G>A (NM_001042723.2).
Identifiers: ClinVar variation 3071588 (VCV003071588.1), dbSNP rs968654313, ClinGen allele CA308118950.
Genomic context (GRCh38, chr19:38,506,957, plus strand): 5'-GAGAAGGCCCAGGAGCTACTGAAATTCCTGCAGATGAATGGCTACGCGGTTACAAGGCAC[G>A]CGGGTTGGGGCTCCCGCGGAAGAGCAGCAGGCAGAACACACCCGGCAAAGGCTGGAAGGG-3'

ClinVar aggregate classification (germline): Uncertain significance (1 of 4 stars; one submission).

Conditions:
Malignant hyperthermia, susceptibility to, 1 (MHS1). Also called: Anesthesia related hyperthermia; Malignant hyperpyrexia; Fulminating hyperpyrexia; Pharmacogenic myopathy; RYR1-Related Malignant Hyperthermia Susceptibility; Malignant hyperthermia suceptibility 1. Identifiers: Orphanet 423, MedGen C2930980, MONDO:0007783, OMIM 145600.

Allele frequency attached by ClinVar (database versions not stated): gnomAD 0.00001; gnomAD exomes 0.00001.

Submission:

All of Us Research Program, National Institutes of Health
Classification: Uncertain significance for Malignant hyperthermia, susceptibility to, 1. Last evaluated: 2023-06-08. Review status: criteria provided, single submitter. Criteria: ACMG Guidelines, 2015. Collection method: clinical testing. Allele origin: germline. Inheritance: Autosomal dominant inheritance. Observed: 1 variant allele, 1 heterozygote.
Comment: This variant causes a G to A nucleotide substitution at the +5 position of intron 57 of the RYR1 gene. To our knowledge, functional studies have not been reported for this variant. This variant has not been reported in individuals affected with RYR1-related disorders in the literature. This variant has been identified in 2/282248 chromosomes in the general population by the Genome Aggregation Database (gnomAD). The available evidence is insufficient to determine the role of this variant in disease conclusively. Therefore, this variant is classified as a Variant of Uncertain Significance.

This study involves interpretation of variants in research participants for the purpose of population health screening. Participant phenotype was not available at the time of variant classification. Additional details can be found in publication PMID: 35346344, PMCID: PMC8962531